The following is an entry in ClinVar:

NM_016507.4(CDK12):c.1666C>T (p.Pro556Ser)

Gene: CDK12 (cyclin dependent kinase 12; plus strand). Cytogenetic location: 17q12.
Variant type: single nucleotide variant.
Coding change: c.1666C>T on transcript NM_016507.4 (MANE Select); coding-DNA position 1666, C replaced by T.
Protein change: p.Pro556Ser; replaces proline 556 with serine.
Molecular consequence: missense variant.
Genome position (GRCh38, 1-based): chr17:39,471,498, C>T. VCF-style: chr17-39471498-C-T. GRCh37 (hg19) VCF-style: chr17-37627751-C-T.
Other names: c.1666C>T, p.Pro556Ser (NM_015083.4); short protein forms P556S.
Identifiers: ClinVar variation 3999392 (VCV003999392.1).

ClinVar aggregate classification (germline): Uncertain significance (1 of 4 stars; one submission).

gnomAD v4.1: 6 of 1,613,656 alleles (0.00037%); highest among the groups gnomAD compares: South Asian, 0.0011%; no homozygotes.

Submission:

Ambry Genetics
Classification: Uncertain significance. Last evaluated: 2025-04-22. Review status: criteria provided, single submitter. Criteria: Ambry Variant Classification Scheme 2023. Collection method: clinical testing. Allele origin: germline.
Comment: The p.P556S variant (also known as c.1666C>T), located in coding exon 2 of the CDK12 gene, results from a C to T substitution at nucleotide position 1666. The proline at codon 556 is replaced by serine, an amino acid with similar properties. This amino acid position is conserved. In addition, this alteration is predicted to be tolerated by in silico analysis. Based on the available evidence, the clinical significance of this variant remains unclear.